The following is an entry in ClinVar:

ClinVar aggregate classification (germline): Uncertain significance (1 of 4 stars; one submission).

Conditions:
Hereditary cancer-predisposing syndrome. Also called: Tumor predisposition; Hereditary neoplastic syndrome; Hereditary Cancer Syndrome; Neoplastic Syndromes, Hereditary. Identifiers: Orphanet 140162, MedGen C0027672, MeSH D009386, MONDO:0015356.

Allele frequency attached by ClinVar (database versions not stated): gnomAD exomes below 0.00001.
gnomAD v4.1: 2 of 1,613,680 alleles (0.00012%); highest among the groups gnomAD compares: East Asian, 0.0022%; no homozygotes.

Submission:

Ambry Genetics
Classification: Uncertain significance for Hereditary cancer-predisposing syndrome. Last evaluated: 2024-01-20. Review status: criteria provided, single submitter. Criteria: Ambry Variant Classification Scheme 2023. Collection method: clinical testing. Allele origin: germline.
Comment: The p.H344P variant (also known as c.1031A>C), located in coding exon 4 of the ALK gene, results from an A to C substitution at nucleotide position 1031. The histidine at codon 344 is replaced by proline, an amino acid with similar properties. This amino acid position is conserved. In addition, this alteration is predicted to be tolerated by in silico analysis. Based on the available evidence, the clinical significance of this alteration remains unclear.

NM_004304.5(ALK):c.1031A>C (p.His344Pro)

Gene: ALK (ALK receptor tyrosine kinase; minus strand). Cytogenetic location: 2p23.2.
Variant type: single nucleotide variant.
Coding change: c.1031A>C on transcript NM_004304.5 (MANE Select); coding-DNA position 1031, A replaced by C.
Protein change: p.His344Pro; replaces histidine 344 with proline.
Molecular consequence: missense variant.
Genome position (GRCh38, 1-based): chr2:29,532,038, T>G on the plus strand (A>C on the coding strand, the complement: ALK is on the minus strand). VCF-style: chr2-29532038-T-G. GRCh37 (hg19) VCF-style: chr2-29754904-T-G.
Other names: short protein forms H344P.
Identifiers: ClinVar variation 3223779 (VCV003223779.1), dbSNP rs147640694, ClinGen allele CA1594780.
Genomic context (GRCh38, chr2:29,532,038, plus strand): 5'-TGGGCAATGTACCTTCCAGAGGGCTGCAGGTGCCTGTGCACCGAGACGGCCAGTGTGCAG[T>G]GCTCACTGCTGCTCCTCATCCACGGACTCAGGATGGTGTGCTTGGAGTCAGCTGAGGTGT-3'
Protein context (NP_004295.2, residues 334-354): LSPWMRSSSE[His344Pro]CTLAVSVHRH